The following is an entry in ClinVar:

ClinVar aggregate classification (germline): Uncertain significance (1 of 4 stars; one submission).

Conditions:
Inborn genetic diseases. Identifiers: MedGen C0950123, MeSH D030342.

Submission:

Ambry Genetics
Classification: Uncertain significance for Inborn genetic diseases. Last evaluated: 2023-03-08. Review status: criteria provided, single submitter. Criteria: Ambry Variant Classification Scheme 2023. Collection method: clinical testing. Allele origin: germline.
Comment: The p.D340G variant (also known as c.1019A>G), located in coding exon 9 of the LRRK2 gene, results from an A to G substitution at nucleotide position 1019. The aspartic acid at codon 340 is replaced by glycine, an amino acid with similar properties. This amino acid position is conserved. In addition, this alteration is predicted to be tolerated by in silico analysis. Since supporting evidence is limited at this time, the clinical significance of this alteration remains unclear.

NM_198578.4(LRRK2):c.1019A>G (p.Asp340Gly)

Gene: LRRK2 (leucine rich repeat kinase 2; plus strand). Cytogenetic location: 12q12.
Variant type: single nucleotide variant.
Coding change: c.1019A>G on transcript NM_198578.4 (MANE Select); coding-DNA position 1019, A replaced by G.
Protein change: p.Asp340Gly; replaces aspartic acid 340 with glycine.
Molecular consequence: missense variant.
Genome position (GRCh38, 1-based): chr12:40,251,292, A>G. VCF-style: chr12-40251292-A-G. GRCh37 (hg19) VCF-style: chr12-40645094-A-G.
Other names: short protein forms D340G.
Identifiers: ClinVar variation 2453143 (VCV002453143.2), dbSNP rs1245164045, ClinGen allele CA384407825.